The following is an entry in ClinVar:

NM_001378454.1(ALMS1):c.6553C>T (p.Pro2185Ser)

Gene: ALMS1 (ALMS1 centrosome and basal body associated protein; plus strand). Cytogenetic location: 2p13.1.
Variant type: single nucleotide variant.
Coding change: c.6553C>T on transcript NM_001378454.1 (MANE Select); coding-DNA position 6553, C replaced by T.
Protein change: p.Pro2185Ser; replaces proline 2185 with serine.
Molecular consequence: missense variant.
Genome position (GRCh38, 1-based): chr2:73,453,080, C>T. VCF-style: chr2-73453080-C-T. GRCh37 (hg19) VCF-style: chr2-73680207-C-T.
Other names: c.6556C>T, p.Pro2186Ser (NM_015120.4); short protein forms P2186S, P2185S.
Identifiers: ClinVar variation 241009 (VCV000241009.30), dbSNP rs77555300, ClinGen allele CA1714083.

ClinVar aggregate classification (germline): Benign/Likely benign. Review status: criteria provided, multiple submitters, no conflicts (2 of 4 stars). 11 submissions from 11 submitters: Benign (7); Likely benign (1). 3 of the submissions do not count toward it. Last evaluated 2026-02-03.

Conditions:
Monogenic diabetes. Identifiers: Orphanet 183625, MedGen C3888631, MONDO:0015967.
Alstrom syndrome (ALMS). Identifiers: Orphanet 64, MedGen C0268425, MONDO:0008763, OMIM 203800.
Cardiovascular phenotype. Identifiers: MedGen CN230736.

Allele frequency attached by ClinVar (database versions not stated): gnomAD exomes 0.00091 and 0.00252; ExAC 0.00295; gnomAD 0.01000 and 0.01077; ESP Exome Variant Server 0.01013; 1000 Genomes Project 0.01038; 1000 Genomes Project 30x 0.01109; TOPMed 0.01121.
gnomAD v4.1: 2,906 of 1,614,006 alleles (0.18%); highest among the groups gnomAD compares: African/African-American, 3.3%; 48 homozygotes.

Submissions (11):

Labcorp Genetics (formerly Invitae), Labcorp
Classification: Benign for Alstrom syndrome. Last evaluated: 2026-02-03. Review status: criteria provided, single submitter. Criteria: Invitae Variant Classification Sherloc (09022015). Collection method: clinical testing. Allele origin: germline.

ARUP Laboratories, Molecular Genetics and Genomics, ARUP Laboratories
Classification: Benign for Alstrom syndrome. Last evaluated: 2025-05-14. Review status: criteria provided, single submitter. Criteria: ARUP Molecular Germline Variant Investigation Process 2024. Collection method: clinical testing. Allele origin: germline.

Personalized Diabetes Medicine Program, University of Maryland School of Medicine
Classification: Benign for Monogenic diabetes. Last evaluated: 2019-02-15. Review status: criteria provided, single submitter. Criteria: ACMG Guidelines, 2015. Collection method: research. Allele origin: unknown. Observed: 9 variant alleles, 9 heterozygotes.
Comment: ACMG criteria: BP1 (missense when truncating are ds causing), BA1 (3.4% MAF in gnomAD Africans), BS2 (18 homozygotes in gnomAD), BP4 (REVEL 0.028 + 8 predictors)= Benign (ALMS1 p.P2184S and p.K1810N are likely in LD)

Ambry Genetics
Classification: Benign for Cardiovascular phenotype. Last evaluated: 2019-01-07. Review status: criteria provided, single submitter. Criteria: Ambry Variant Classification Scheme 2023. Collection method: clinical testing. Allele origin: germline.

GeneDx
Classification: Benign. Last evaluated: 2016-12-05. Review status: criteria provided, single submitter. Criteria: GeneDx Variant Classification (06012015). Collection method: clinical testing. Allele origin: germline. Affected: yes.
Comment: This variant is considered likely benign or benign based on one or more of the following criteria: it is a conservative change, it occurs at a poorly conserved position in the protein, it is predicted to be benign by multiple in silico algorithms, and/or has population frequency not consistent with disease.

Laboratory for Molecular Medicine, Mass General Brigham Personalized Medicine
Classification: Benign. Last evaluated: 2016-03-21. Review status: criteria provided, single submitter. Criteria: LMM Criteria. Collection method: clinical testing. Allele origin: germline. Observed: 2 variant alleles.
Comment: p.Pro2184Ser in exon 8 of ALMS1: This variant is not expected to have clinical s ignificance because it has been identified in 3.31% (323/9752) of African chromo somes by the Exome Aggregation Consortium (ExAC; dbSNP rs77555300).

Women's Health and Genetics/Laboratory Corporation of America, LabCorp
Classification: Likely benign. Last evaluated: 2016-02-15. Review status: criteria provided, single submitter. Criteria: LabCorp Variant Classification Summary - May 2015. Collection method: clinical testing. Allele origin: germline.
Comment: Variant summary: ALMS1 c.6550C>T (alternative name c.6556C>T) variant affects a non-conserved nucleotide, resulting in amino acid change from Pro to Ser. 4/5 in-silico tools predict this variant to be benign, but these in silico predictions have not been confirmed with functional studies. This variant is found in 355/120368 control chromosomes (6 homozygotes) at a frequency of 0.0029493, with the highest frequency in Africans (0.03312; 5 homozygotes). This African allele frequency significantly exceeds maximal expected frequency of a pathogenic allele (0.0022361), suggesting that this is a benign polymorphism in Africans. Mutations in the ALMS1 gene have been reported with autosomal recessive Alstrom disease (AS), which has estimated prevalence of 1/600,000. 60% of patients with Alstrom syndrome have Dilated Cardiomyopathy (DCM) among other presenting features such as obesity, retinal rod cone dystrophy, diabetes, and progressive hearing loss. This gene was included in Cardio Gene Screening panel based upon the reported findings of DCM in patients with AS. Mutations in ALMS1 gene have not been implicated in isolated cases of cardiomyopathy, which has higher prevalence (1/500), than the AS alone. Taken together, this is probably a normal variant and was classified as likely benign.

Clinical Genomics, Uppaluri K&H Personalized Medicine Clinic
Classification: Benign for Alstrom syndrome. Review status: criteria provided, single submitter. Criteria: K & H Uppaluri Personalized Medicine Clinic Variant Classification & Assertion Criteria_Updated V.1. Collection method: research. Allele origin: unknown. Inheritance: Autosomal recessive inheritance.
Comment: Potent mutations in ALMS1 are associated with a rare condition called Alstrom syndrome. It can cause excessive eating, insulin resistance. However, no evidence is found to ascertain the role of rs77555300 in Alstrom syndrome yet.

Natera, Inc.
Classification: Benign for Alstrom syndrome. Last evaluated: 2019-12-02. Review status: no assertion criteria provided. Collection method: clinical testing. Allele origin: germline. Not counted in ClinVar's aggregate classification.

Genome Diagnostics Laboratory, University Medical Center Utrecht
Classification: Benign. Review status: no assertion criteria provided. Collection method: clinical testing. Allele origin: germline. Affected: yes. Study: VKGL Data-share Consensus. Not counted in ClinVar's aggregate classification.

Laboratory of Diagnostic Genome Analysis, Leiden University Medical Center (LUMC)
Classification: Likely benign. Review status: no assertion criteria provided. Collection method: clinical testing. Allele origin: germline. Affected: yes. Study: VKGL Data-share Consensus. Not counted in ClinVar's aggregate classification.

Literature cited by the submitters: PubMed 34148947 (cited by Clinical Genomics, Uppaluri K&H Personalized Medicine Clinic); PubMed 25846608 (cited by Clinical Genomics, Uppaluri K&H Personalized Medicine Clinic); PubMed 30421101 (cited by Clinical Genomics, Uppaluri K&H Personalized Medicine Clinic); PubMed 33669459 (cited by Clinical Genomics, Uppaluri K&H Personalized Medicine Clinic).